The following is an entry in ClinVar:

NM_054012.4(ASS1):c.214T>A (p.Phe72Ile)

Gene: ASS1 (argininosuccinate synthase 1; plus strand). Cytogenetic location: 9q34.11.
Variant type: single nucleotide variant.
Coding change: c.214T>A on transcript NM_054012.4 (MANE Select); coding-DNA position 214, T replaced by A.
Protein change: p.Phe72Ile; replaces phenylalanine 72 with isoleucine.
Molecular consequence: missense variant.
Genome position (GRCh38, 1-based): chr9:130,458,440, T>A. VCF-style: chr9-130458440-T-A. GRCh37 (hg19) VCF-style: chr9-133333827-T-A.
Other names: c.214T>A, p.Phe72Ile (NM_000050.4); short protein forms F72I.
Identifiers: ClinVar variation 3012916 (VCV003012916.3), dbSNP rs1845500156, ClinGen allele CA375224957.

ClinVar aggregate classification (germline): Likely pathogenic (1 of 4 stars; one submission).

Conditions:
Citrullinemia. Identifiers: Orphanet 187, MedGen C0175683, MONDO:0015991.

Allele frequency attached by ClinVar (database versions not stated): TOPMed below 0.00001; gnomAD 0.00001.
gnomAD v4.1: 1 of 1,611,796 alleles (0.000062%); highest among the groups gnomAD compares: African/African-American, 0.0013%; no homozygotes.

Submission:

Labcorp Genetics (formerly Invitae), Labcorp
Classification: Likely pathogenic for Citrullinemia. Last evaluated: 2023-06-19. Review status: criteria provided, single submitter. Criteria: Invitae Variant Classification Sherloc (09022015). Collection method: clinical testing. Allele origin: germline.
Comment: This sequence change replaces phenylalanine, which is neutral and non-polar, with isoleucine, which is neutral and non-polar, at codon 72 of the ASS1 protein (p.Phe72Ile). In summary, the currently available evidence indicates that the variant is pathogenic, but additional data are needed to prove that conclusively. Therefore, this variant has been classified as Likely Pathogenic. This variant is not present in population databases (gnomAD no frequency). This missense change has been observed in individual(s) with clinical features of citrullinemia (Invitae). In at least one individual the data is consistent with being in trans (on the opposite chromosome) from a pathogenic variant. Advanced modeling of protein sequence and biophysical properties (such as structural, functional, and spatial information, amino acid conservation, physicochemical variation, residue mobility, and thermodynamic stability) performed at Invitae indicates that this missense variant is not expected to disrupt ASS1 protein function. This variant disrupts the p.Phe72 amino acid residue in ASS1. Other variant(s) that disrupt this residue have been determined to be pathogenic (PMID: 18925679, 31469252). This suggests that this residue is clinically significant, and that variants that disrupt this residue are likely to be disease-causing.

Literature cited by the submitters: PubMed 18925679; PubMed 31469252.